The following is an entry in ClinVar:

NM_018060.4(IARS2):c.2175+1G>A

Gene: IARS2 (isoleucyl-tRNA synthetase 2, mitochondrial; plus strand). Cytogenetic location: 1q41.
Variant type: single nucleotide variant.
Coding change: c.2175+1G>A on transcript NM_018060.4 (MANE Select); the canonical splice donor site of the intron after coding-DNA position 2175, G replaced by A.
Molecular consequence: splice donor variant.
Genome position (GRCh38, 1-based): chr1:220,138,044, G>A. VCF-style: chr1-220138044-G-A. GRCh37 (hg19) VCF-style: chr1-220311386-G-A.
Identifiers: ClinVar variation 379707 (VCV000379707.2), dbSNP rs1057520702, ClinGen allele CA16603544.

ClinVar aggregate classification (germline): Uncertain significance (1 of 4 stars; one submission).

Allele frequency attached by ClinVar (database versions not stated): gnomAD exomes below 0.00001.
gnomAD v4.1: 2 of 1,613,818 alleles (0.00012%); highest among the groups gnomAD compares: South Asian, 0.0022%; no homozygotes.

Submission:

GeneDx
Classification: Uncertain significance. Last evaluated: 2017-04-21. Review status: criteria provided, single submitter. Criteria: GeneDx Variant Classification (06012015). Collection method: clinical testing. Allele origin: germline. Affected: yes.
Comment: The c.2175+1G>A variant in the IARS2 gene has not been reported previously as a pathogenic variant nor as a benign variant, to our knowledge. This splice site variant destroys the canonical splice donor site in intron 17. It is predicted to cause abnormal gene splicing, either leading to an abnormal message that is subject to nonsense-mediated mRNA decay, or to an abnormal protein product if the message is used for protein translation. The c.2175+1G>A variant is not observed in large population cohorts (Lek et al., 2016; 1000 Genomes Consortium et al., 2015; Exome Variant Server). We interpret c.2175+1G>A as a variant of uncertain significance.